The following is an entry in ClinVar:

ClinVar aggregate classification (germline): Uncertain significance (1 of 4 stars; one submission).

Submission:

Labcorp Genetics (formerly Invitae), Labcorp
Classification: Uncertain significance. Last evaluated: 2022-06-27. Review status: criteria provided, single submitter. Criteria: Invitae Variant Classification Sherloc (09022015). Collection method: clinical testing. Allele origin: germline.
Comment: Advanced modeling of protein sequence and biophysical properties (such as structural, functional, and spatial information, amino acid conservation, physicochemical variation, residue mobility, and thermodynamic stability) performed at Invitae indicates that this missense variant is not expected to disrupt ABCA4 protein function. In summary, the available evidence is currently insufficient to determine the role of this variant in disease. Therefore, it has been classified as a Variant of Uncertain Significance. This variant has not been reported in the literature in individuals affected with ABCA4-related conditions. This variant is not present in population databases (gnomAD no frequency). This sequence change replaces valine, which is neutral and non-polar, with alanine, which is neutral and non-polar, at codon 1192 of the ABCA4 protein (p.Val1192Ala).

NM_000350.3(ABCA4):c.3575T>C (p.Val1192Ala)

Gene: ABCA4 (ATP binding cassette subfamily A member 4; minus strand). Cytogenetic location: 1p22.1.
Variant type: single nucleotide variant.
Coding change: c.3575T>C on transcript NM_000350.3 (MANE Select); coding-DNA position 3575, T replaced by C.
Protein change: p.Val1192Ala; replaces valine 1192 with alanine.
Molecular consequence: missense variant.
Genome position (GRCh38, 1-based): chr1:94,040,075, A>G on the plus strand (T>C on the coding strand, the complement: ABCA4 is on the minus strand). VCF-style: chr1-94040075-A-G. GRCh37 (hg19) VCF-style: chr1-94505631-A-G.
Other names: c.3353T>C, p.Val1118Ala (NM_001425324.1); short protein forms V1192A, V1118A.
Identifiers: ClinVar variation 1503756 (VCV001503756.8), dbSNP rs1370609179, ClinGen allele CA341290040.